The following is an entry in ClinVar:

NM_177438.3(DICER1):c.371A>T (p.Tyr124Phe)

Gene: DICER1 (dicer 1, ribonuclease III; minus strand). Cytogenetic location: 14q32.13.
Variant type: single nucleotide variant.
Coding change: c.371A>T on transcript NM_177438.3 (MANE Select); coding-DNA position 371, A replaced by T.
Protein change: p.Tyr124Phe; replaces tyrosine 124 with phenylalanine.
Molecular consequence: missense variant. On other transcripts: non-coding transcript variant (5), intron variant (6), 5 prime UTR variant (2).
Genome position (GRCh38, 1-based): chr14:95,131,576, T>A on the plus strand (A>T on the coding strand, the complement: DICER1 is on the minus strand). VCF-style: chr14-95131576-T-A. GRCh37 (hg19) VCF-style: chr14-95597913-T-A.
Other names: c.371A>T, p.Tyr124Phe (NM_001395699.1, NM_001395700.1, NM_030621.4 and 14 more transcripts); c.33+939A>T (NM_001395690.1, NM_001395687.1, NM_001395689.1 and 3 more transcripts); c.89A>T, p.Tyr30Phe (NM_001395686.1); c.-88A>T (NM_001395691.1); c.-1198A>T (NM_001395697.1); short protein forms Y124F, Y30F.
Identifiers: ClinVar variation 3670589 (VCV003670589.2).

ClinVar aggregate classification (germline): Uncertain significance (1 of 4 stars; one submission).

Conditions:
DICER1-related tumor predisposition. Also called: DICER1-related pleuropulmonary blastoma cancer predisposition syndrome; DICER1 syndrome. Identifiers: Orphanet 284343, MedGen C3839822, MONDO:0100216.

Submission:

Labcorp Genetics (formerly Invitae), Labcorp
Classification: Uncertain significance for DICER1-related tumor predisposition. Last evaluated: 2024-07-19. Review status: criteria provided, single submitter. Criteria: Invitae Variant Classification Sherloc (09022015). Collection method: clinical testing. Allele origin: germline.
Comment: This sequence change replaces tyrosine, which is neutral and polar, with phenylalanine, which is neutral and non-polar, at codon 124 of the DICER1 protein (p.Tyr124Phe). This variant is not present in population databases (gnomAD no frequency). This variant has not been reported in the literature in individuals affected with DICER1-related conditions. Advanced modeling of protein sequence and biophysical properties (such as structural, functional, and spatial information, amino acid conservation, physicochemical variation, residue mobility, and thermodynamic stability) performed at Invitae indicates that this missense variant is not expected to disrupt DICER1 protein function with a negative predictive value of 80%. In summary, the available evidence is currently insufficient to determine the role of this variant in disease. Therefore, it has been classified as a Variant of Uncertain Significance.